The following is an entry in ClinVar:

ClinVar aggregate classification (germline): Uncertain significance. Review status: criteria provided, multiple submitters, no conflicts (2 of 4 stars). 2 submissions from 2 submitters: Uncertain significance (2). Last evaluated 2026-04-16.

Conditions:
Inborn genetic diseases. Identifiers: MedGen C0950123, MeSH D030342.

Submissions (2):

GeneDx
Classification: Uncertain significance. Last evaluated: 2026-04-16. Review status: criteria provided, single submitter. Criteria: GeneDx Variant Classification Process June 2021. Collection method: clinical testing. Allele origin: germline.
Comment: Not observed at significant frequency in large population cohorts (gnomAD); In silico analysis supports that this missense variant has a deleterious effect on protein structure/function; Has not been previously published as pathogenic or benign to our knowledge

Ambry Genetics
Classification: Uncertain significance for Inborn genetic diseases. Last evaluated: 2026-03-10. Review status: criteria provided, single submitter. Criteria: Ambry Variant Classification Scheme 2023. Collection method: clinical testing. Allele origin: germline.

NM_001070.5(TUBG1):c.649C>T (p.Arg217Cys)

Gene: TUBG1 (tubulin gamma 1; plus strand). Cytogenetic location: 17q21.2.
Variant type: single nucleotide variant.
Coding change: c.649C>T on transcript NM_001070.5 (MANE Select); coding-DNA position 649, C replaced by T.
Protein change: p.Arg217Cys; replaces arginine 217 with cysteine.
Molecular consequence: missense variant.
Genome position (GRCh38, 1-based): chr17:42,613,689, C>T. VCF-style: chr17-42613689-C-T. GRCh37 (hg19) VCF-style: chr17-40765707-C-T.
Other names: short protein forms R217C.
Identifiers: ClinVar variation 4841038 (VCV004841038.2).